The following is an entry in ClinVar:

ClinVar aggregate classification (germline): Uncertain significance (1 of 4 stars; one submission).

Conditions:
Neuropathy, hereditary sensory and autonomic, type 2A (HSAN2A). Also called: ACROOSTEOLYSIS, GIACCAI TYPE; ACROOSTEOLYSIS, NEUROGENIC; MORVAN DISEASE; NEUROPATHY, CONGENITAL SENSORY; NEUROPATHY, HEREDITARY SENSORY RADICULAR, AUTOSOMAL RECESSIVE; NEUROPATHY, HEREDITARY SENSORY, TYPE IIA. Identifiers: Orphanet 970, MedGen C2752089, MONDO:0024309, OMIM 201300.
Pseudohypoaldosteronism type 2C (PHA2C). Also called: Pseudohypoaldosteronism Type IIC. Identifiers: Orphanet 757, Orphanet 88940, MedGen C1840391, MONDO:0013778, OMIM 614492.

Allele frequency attached by ClinVar (database versions not stated): gnomAD exomes below 0.00001.
gnomAD v4.1: 2 of 1,592,242 alleles (0.00013%); highest among the groups gnomAD compares: Non-Finnish European, 0.00017%; no homozygotes.

Submission:

Labcorp Genetics (formerly Invitae), Labcorp
Classification: Uncertain significance for Neuropathy, hereditary sensory and autonomic, type 2A; Pseudohypoaldosteronism type 2C. Last evaluated: 2022-01-28. Review status: criteria provided, single submitter. Criteria: Invitae Variant Classification Sherloc (09022015). Collection method: clinical testing. Allele origin: germline.
Comment: This variant has not been reported in the literature in individuals affected with WNK1-related conditions. This variant is not present in population databases (gnomAD no frequency). This sequence change replaces alanine, which is neutral and non-polar, with valine, which is neutral and non-polar, at codon 141 of the WNK1 protein (p.Ala141Val). Advanced modeling of protein sequence and biophysical properties (such as structural, functional, and spatial information, amino acid conservation, physicochemical variation, residue mobility, and thermodynamic stability) performed at Invitae indicates that this missense variant is not expected to disrupt WNK1 protein function. In summary, the available evidence is currently insufficient to determine the role of this variant in disease. Therefore, it has been classified as a Variant of Uncertain Significance.

NM_018979.4(WNK1):c.422C>T (p.Ala141Val)

Gene: WNK1 (WNK lysine deficient protein kinase 1; plus strand). Cytogenetic location: 12p13.33.
Variant type: single nucleotide variant.
Coding change: c.422C>T on transcript NM_018979.4 (MANE Select); coding-DNA position 422, C replaced by T.
Protein change: p.Ala141Val; replaces alanine 141 with valine.
Molecular consequence: missense variant.
Genome position (GRCh38, 1-based): chr12:753,987, C>T. VCF-style: chr12-753987-C-T. GRCh37 (hg19) VCF-style: chr12-863153-C-T.
Other names: c.422C>T, p.Ala141Val (NM_001184985.2, NM_014823.3, NM_213655.5); short protein forms A141V.
Identifiers: ClinVar variation 2090718 (VCV002090718.4), dbSNP rs2547365074, ClinGen allele CA383306314.